The following is an entry in ClinVar:

NM_017617.5(NOTCH1):c.4112C>T (p.Thr1371Ile)

Gene: NOTCH1 (notch receptor 1; minus strand). Cytogenetic location: 9q34.3.
Variant type: single nucleotide variant.
Coding change: c.4112C>T on transcript NM_017617.5 (MANE Select); coding-DNA position 4112, C replaced by T.
Protein change: p.Thr1371Ile; replaces threonine 1371 with isoleucine.
Molecular consequence: missense variant.
Genome position (GRCh38, 1-based): chr9:136,505,784, G>A on the plus strand (C>T on the coding strand, the complement: NOTCH1 is on the minus strand). VCF-style: chr9-136505784-G-A. GRCh37 (hg19) VCF-style: chr9-139400236-G-A.
Other names: short protein forms T1371I.
Identifiers: ClinVar variation 2918819 (VCV002918819.3), dbSNP rs1843074041, ClinGen allele CA375649713.

ClinVar aggregate classification (germline): Uncertain significance (1 of 4 stars; one submission).

Conditions:
Adams-Oliver syndrome 5 (AOS5). Identifiers: Orphanet 974, MedGen C4014970, MONDO:0014459, OMIM 616028.

Allele frequency attached by ClinVar (database versions not stated): TOPMed below 0.00001.

Submission:

Labcorp Genetics (formerly Invitae), Labcorp
Classification: Uncertain significance for Adams-Oliver syndrome 5. Last evaluated: 2023-05-11. Review status: criteria provided, single submitter. Criteria: Invitae Variant Classification Sherloc (09022015). Collection method: clinical testing. Allele origin: germline.
Comment: Advanced modeling of protein sequence and biophysical properties (such as structural, functional, and spatial information, amino acid conservation, physicochemical variation, residue mobility, and thermodynamic stability) performed at Invitae indicates that this missense variant is not expected to disrupt NOTCH1 protein function. In summary, the available evidence is currently insufficient to determine the role of this variant in disease. Therefore, it has been classified as a Variant of Uncertain Significance. This variant has not been reported in the literature in individuals affected with NOTCH1-related conditions. This variant is not present in population databases (gnomAD no frequency). This sequence change replaces threonine, which is neutral and polar, with isoleucine, which is neutral and non-polar, at codon 1371 of the NOTCH1 protein (p.Thr1371Ile).